The following is an entry in ClinVar:

ClinVar aggregate classification (germline): Uncertain significance. Review status: criteria provided, multiple submitters, no conflicts (2 of 4 stars). 3 submissions from 3 submitters: Uncertain significance (3). Last evaluated 2024-04-29.

Conditions:
Inborn genetic diseases. Identifiers: MedGen C0950123, MeSH D030342.

Allele frequency attached by ClinVar (database versions not stated): gnomAD exomes 0.00001; TOPMed 0.00003; ExAC 0.00004; gnomAD 0.00005.
gnomAD v4.1: 15 of 1,206,100 alleles (0.0012%); highest among the groups gnomAD compares: South Asian, 0.018%; no homozygotes.

Submissions (3):

Labcorp Genetics (formerly Invitae), Labcorp
Classification: Uncertain significance. Last evaluated: 2024-04-29. Review status: criteria provided, single submitter. Criteria: Invitae Variant Classification Sherloc (09022015). Collection method: clinical testing. Allele origin: germline.
Comment: This sequence change replaces asparagine, which is neutral and polar, with serine, which is neutral and polar, at codon 310 of the NYX protein (p.Asn310Ser). This variant is present in population databases (rs774095317, gnomAD 0.008%). This variant has not been reported in the literature in individuals affected with NYX-related conditions. ClinVar contains an entry for this variant (Variation ID: 1719489). Advanced modeling of protein sequence and biophysical properties (such as structural, functional, and spatial information, amino acid conservation, physicochemical variation, residue mobility, and thermodynamic stability) performed at Invitae indicates that this missense variant is not expected to disrupt NYX protein function with a negative predictive value of 80%. In summary, the available evidence is currently insufficient to determine the role of this variant in disease. Therefore, it has been classified as a Variant of Uncertain Significance.

Ambry Genetics
Classification: Uncertain significance for Inborn genetic diseases. Last evaluated: 2023-12-13. Review status: criteria provided, single submitter. Criteria: Ambry Variant Classification Scheme 2023. Collection method: clinical testing. Allele origin: germline.

Blueprint Genetics
Classification: Uncertain significance. Last evaluated: 2023-06-23. Review status: criteria provided, single submitter. Criteria: ACMG Guidelines, 2015. Collection method: clinical testing. Allele origin: germline.

NM_001378477.3(NYX):c.914A>G (p.Asn305Ser)

Gene: NYX (nyctalopin; plus strand). Cytogenetic location: Xp11.4.
Variant type: single nucleotide variant.
Coding change: c.914A>G on transcript NM_001378477.3 (MANE Select); coding-DNA position 914, A replaced by G.
Protein change: p.Asn305Ser; replaces asparagine 305 with serine.
Molecular consequence: missense variant.
Genome position (GRCh38, 1-based): chrX:41,474,382, A>G. VCF-style: chrX-41474382-A-G. GRCh37 (hg19) VCF-style: chrX-41333635-A-G.
Other names: c.929A>G (NM_022567.2); c.914A>G, p.Asn305Ser (NM_022567.3); short protein forms N305S.
Identifiers: ClinVar variation 1719489 (VCV001719489.7), dbSNP rs774095317, ClinGen allele CA10389882.